The following is an entry in ClinVar:

ClinVar aggregate classification (germline): Pathogenic/Likely pathogenic. Review status: criteria provided, multiple submitters, no conflicts (2 of 4 stars). 3 submissions from 3 submitters: Pathogenic (1); Likely pathogenic (2). Last evaluated 2025-12-30.

Conditions:
Hepatoencephalopathy due to combined oxidative phosphorylation defect type 1. Also called: HEPATOENCEPHALOPATHY, EARLY FATAL PROGRESSIVE. Identifiers: Orphanet 137681, MedGen C1836797, MONDO:0012191, OMIM 609060.

Submissions (3):

Natera, Inc.
Classification: Likely pathogenic for Combined oxidative phosphorylation deficiency 1. Last evaluated: 2025-12-30. Review status: criteria provided, single submitter. Criteria: Natera Variant Classification Schema (03/2026). Collection method: clinical testing. Allele origin: germline.
Comment: The c.1632dup variant in GFM1 is a frameshift variant predicted to shift the reading frame beginning at codon 545 and leads to a stop codon 22 codons downstream. This variant is expected to result in nonsense mediated decay, truncation, or a dysfunctional protein product. This variant is rare in the general population with a frequency below the threshold expected for the associated phenotype(s). Given the available evidence, this variant is classified as Likely Pathogenic.

Labcorp Genetics (formerly Invitae), Labcorp
Classification: Pathogenic. Last evaluated: 2022-08-22. Review status: criteria provided, single submitter. Criteria: Invitae Variant Classification Sherloc (09022015). Collection method: clinical testing. Allele origin: germline.
Comment: This variant is not present in population databases (gnomAD no frequency). For these reasons, this variant has been classified as Pathogenic. This variant has not been reported in the literature in individuals affected with GFM1-related conditions. This sequence change creates a premature translational stop signal (p.Gly545Trpfs*22) in the GFM1 gene. It is expected to result in an absent or disrupted protein product. Loss-of-function variants in GFM1 are known to be pathogenic (PMID: 16632485, 17160893).

Baylor Genetics
Classification: Likely pathogenic for Hepatoencephalopathy due to combined oxidative phosphorylation defect type 1. Last evaluated: 2022-04-11. Review status: criteria provided, single submitter. Criteria: ACMG Guidelines, 2015. Collection method: clinical testing. Allele origin: unknown.

Literature cited by the submitters: PubMed 16632485 (cited by Labcorp Genetics (formerly Invitae), Labcorp); PubMed 17160893 (cited by Labcorp Genetics (formerly Invitae), Labcorp).

NM_024996.7(GFM1):c.1632dup (p.Gly545fs)

Gene: GFM1 (G elongation factor mitochondrial 1; plus strand). Cytogenetic location: 3q25.32.
Variant type: Duplication.
Coding change: c.1632dup on transcript NM_024996.7 (MANE Select); coding-DNA position 1632, one base duplicated (T; older notation c.1632dupT).
Protein change: p.Gly545fs; shifts the reading frame from glycine 545.
Molecular consequence: frameshift variant. On other transcripts: non-coding transcript variant (4).
Genome position (GRCh38, 1-based): chr3:158,682,025, T duplicated. VCF-style (leftmost placement, unchanged base first): chr3-158682024-G-GT. GRCh37 (hg19) VCF-style: chr3-158399813-G-GT.
Other names: c.1689dup, p.Gly564fs (NM_001308164.2); c.1632dup, p.Gly545fs (NM_001308166.2); c.1551dup, p.Gly518fs (NM_001374355.1); c.1515dup, p.Gly506fs (NM_001374356.1); c.1407dup, p.Gly470fs (NM_001374357.1); c.1173dup, p.Gly392fs (NM_001374358.1); c.1065dup, p.Gly356fs (NM_001374359.1, NM_001374360.1); c.948dup, p.Gly317fs (NM_001374361.1); and 1 more; short protein forms G564fs, G470fs, G506fs, G518fs, G317fs, G392fs, G356fs, G545fs.
Identifiers: ClinVar variation 2162487 (VCV002162487.7), dbSNP rs2473036507, ClinGen allele CA2580068983.